The following is an entry in ClinVar:

ClinVar aggregate classification (germline): Uncertain significance (1 of 4 stars; one submission).

Conditions:
Hyperphosphatasia with impaired intellectual development syndrome 2. Also called: Hyperphosphatasia with intellectual disability syndrome 2; GLYCOSYLPHOSPHATIDYLINOSITOL BIOSYNTHESIS DEFECT 6. Identifiers: Orphanet 247262, MedGen C3553637, MONDO:0013882, OMIM 614749.

Allele frequency attached by ClinVar (database versions not stated): gnomAD 0.00001; TOPMed 0.00001; gnomAD exomes below 0.00001; ExAC 0.00001.
gnomAD v4.1: 2 of 1,614,104 alleles (0.00012%); highest among the groups gnomAD compares: African/African-American, 0.0027%; no homozygotes.

Submission:

Labcorp Genetics (formerly Invitae), Labcorp
Classification: Uncertain significance for Hyperphosphatasia with impaired intellectual development syndrome 2. Last evaluated: 2022-08-23. Review status: criteria provided, single submitter. Criteria: Invitae Variant Classification Sherloc (09022015). Collection method: clinical testing. Allele origin: germline.
Comment: This sequence change replaces proline, which is neutral and non-polar, with alanine, which is neutral and non-polar, at codon 538 of the PIGO protein (p.Pro538Ala). This variant is present in population databases (rs763462649, gnomAD 0.007%). In summary, the available evidence is currently insufficient to determine the role of this variant in disease. Therefore, it has been classified as a Variant of Uncertain Significance. Algorithms developed to predict the effect of missense changes on protein structure and function (SIFT, PolyPhen-2, Align-GVGD) all suggest that this variant is likely to be tolerated. ClinVar contains an entry for this variant (Variation ID: 1397023). This variant has not been reported in the literature in individuals affected with PIGO-related conditions.

NM_032634.4(PIGO):c.1612C>G (p.Pro538Ala)

Gene: PIGO (phosphatidylinositol glycan anchor biosynthesis class O; minus strand). Cytogenetic location: 9p13.3.
Variant type: single nucleotide variant.
Coding change: c.1612C>G on transcript NM_032634.4 (MANE Select); coding-DNA position 1612, C replaced by G.
Protein change: p.Pro538Ala; replaces proline 538 with alanine.
Molecular consequence: missense variant. On other transcripts: intron variant (2).
Genome position (GRCh38, 1-based): chr9:35,092,275, G>C on the plus strand (C>G on the coding strand, the complement: PIGO is on the minus strand). VCF-style: chr9-35092275-G-C. GRCh37 (hg19) VCF-style: chr9-35092272-G-C.
Other names: c.1344+268C>G (NM_152850.4, NM_001201484.2); short protein forms P538A.
Identifiers: ClinVar variation 1397023 (VCV001397023.6), dbSNP rs763462649, ClinGen allele CA5040600.